The following is an entry in ClinVar:

NM_025114.4(CEP290):c.5713_5714delinsTT (p.Ala1905Phe)

Gene: CEP290 (centrosomal protein 290; minus strand). Cytogenetic location: 12q21.32.
Variant type: Indel.
Coding change: c.5713_5714delinsTT on transcript NM_025114.4 (MANE Select); coding-DNA positions 5713 to 5714, GC replaced by TT.
Protein change: p.Ala1905Phe; replaces alanine 1905 with phenylalanine.
Molecular consequence: missense variant.
Genome position (GRCh38, 1-based): chr12:88,071,922-88,071,923, GC replaced by AA on the plus strand (GC replaced by TT on the coding strand, the reverse complement: CEP290 is on the minus strand). VCF-style: chr12-88071922-GC-AA. GRCh37 (hg19) VCF-style: chr12-88465699-GC-AA.
Other names: short protein forms A1905F.
Identifiers: ClinVar variation 4981955 (VCV004981955.1).
Genomic context (GRCh38, chr12:88,071,922, plus strand): 5'-ATTCCTTCTATTTTGGCTTGCCACTTTTTACCTTCTTCCCACCTAATTAATTCTTCTTTA[GC>AA]ATTCTGTAACAATAACGAAGGAGGTAGGAAAATTACCAGTGTTATTTTAAATTTTCTTTA-3'
Protein context (NP_079390.3, residues 1895-1915): VDLKPMKEKN[Ala1905Phe]KEELIRWEEG

ClinVar aggregate classification (germline): Uncertain significance (1 of 4 stars; one submission).

Conditions:
CEP290-related disorder. Also called: CEP290-related condition; CEP290-related disorders. Identifiers: MedGen CN239314.

Submission:

PreventionGenetics, part of Exact Sciences
Classification: Uncertain significance for CEP290-related condition. Last evaluated: 2025-03-24. Review status: criteria provided, single submitter. Criteria: ACMG Guidelines, 2015. Collection method: clinical testing. Allele origin: germline.
Comment: The CEP290 c.5713_5714delinsTT variant is predicted to result in an in-frame deletion and insertion. To our knowledge, this variant has not been reported in the literature or in a large population database, indicating this variant is rare. At this time, the clinical significance of this variant is uncertain due to the absence of conclusive functional and genetic evidence.